The following is an entry in ClinVar:

ClinVar aggregate classification (germline): Likely pathogenic (1 of 4 stars; one submission).

Conditions:
Very long chain acyl-CoA dehydrogenase deficiency (ACADVLD). Also called: Very Long-Chain Acyl-Coenzyme A Dehydrogenase Deficiency; VLCAD Deficiency. Identifiers: Orphanet 26793, MedGen C3887523, MONDO:0008723, OMIM 201475.

Submission:

Natera, Inc.
Classification: Likely pathogenic for Very long chain acyl-CoA dehydrogenase deficiency. Last evaluated: 2024-07-16. Review status: criteria provided, single submitter. Criteria: Natera Variant Classification Schema (03/2026). Collection method: clinical testing. Allele origin: germline.
Comment: The c.312dup variant in ACADVL is a frameshift variant predicted to shift the reading frame beginning at codon 105 and leads to a stop codon 19 codons downstream. This variant is expected to result in nonsense mediated decay, truncation, or a dysfunctional protein product. This variant is rare in the general population with a frequency below the threshold expected for the associated phenotype(s). Given the available evidence, this variant is classified as Likely Pathogenic.

NM_000018.4(ACADVL):c.312dup (p.Leu105fs)

Gene: ACADVL (acyl-CoA dehydrogenase very long chain; plus strand). Cytogenetic location: 17p13.1.
Variant type: Duplication.
Coding change: c.312dup on transcript NM_000018.4 (MANE Select); coding-DNA position 312, one base duplicated (G; older notation c.312dupG).
Protein change: p.Leu105fs; shifts the reading frame from leucine 105.
Molecular consequence: frameshift variant.
Genome position (GRCh38, 1-based): chr17:7,220,800, G duplicated. VCF-style (leftmost placement, unchanged base first): chr17-7220799-A-AG. GRCh37 (hg19) VCF-style: chr17-7124118-A-AG.
Other names: c.246dup, p.Leu83fs (NM_001033859.3); c.381dup, p.Leu128fs (NM_001270447.2); c.84dup, p.Leu29fs (NM_001270448.2); short protein forms L105fs, L128fs, L29fs, L83fs.
Identifiers: ClinVar variation 4817400 (VCV004817400.1).